The following is an entry in ClinVar:

NM_001276270.2(MBD4):c.268T>C (p.Trp90Arg)

Gene: MBD4 (methyl-CpG binding domain 4, DNA glycosylase; minus strand). Cytogenetic location: 3q21.3.
Variant type: single nucleotide variant.
Coding change: c.268T>C on transcript NM_001276270.2 (MANE Select); coding-DNA position 268, T replaced by C.
Protein change: p.Trp90Arg; replaces tryptophan 90 with arginine.
Molecular consequence: missense variant. On other transcripts: intron variant (1).
Genome position (GRCh38, 1-based): chr3:129,437,787, A>G on the plus strand (T>C on the coding strand, the complement: MBD4 is on the minus strand). VCF-style: chr3-129437787-A-G. GRCh37 (hg19) VCF-style: chr3-129156630-A-G.
Other names: c.268T>C, p.Trp90Arg (NM_001276271.2, NM_001276272.2, NM_003925.3); c.247+21T>C (NM_001276273.2); short protein forms W90R.
Identifiers: ClinVar variation 3678452 (VCV003678452.3).

ClinVar aggregate classification (germline): Uncertain significance. Review status: criteria provided, multiple submitters, no conflicts (2 of 4 stars). 2 submissions from 2 submitters: Uncertain significance (2). Last evaluated 2025-02-02.

Conditions:
Inborn genetic diseases. Identifiers: MedGen C0950123, MeSH D030342.

Submissions (2):

Ambry Genetics
Classification: Uncertain significance for Inborn genetic diseases. Last evaluated: 2025-02-02. Review status: criteria provided, single submitter. Criteria: Ambry Variant Classification Scheme 2023. Collection method: clinical testing. Allele origin: germline.
Comment: The p.W90R variant (also known as c.268T>C), located in coding exon 2 of the MBD4 gene, results from a T to C substitution at nucleotide position 268. The tryptophan at codon 90 is replaced by arginine, an amino acid with dissimilar properties. This amino acid position is conserved. In addition, this alteration is predicted to be deleterious by in silico analysis. Based on the available evidence, the clinical significance of this variant remains unclear.

Labcorp Genetics (formerly Invitae), Labcorp
Classification: Uncertain significance. Last evaluated: 2025-01-23. Review status: criteria provided, single submitter. Criteria: Invitae Variant Classification Sherloc (09022015). Collection method: clinical testing. Allele origin: germline.
Comment: This sequence change replaces tryptophan, which is neutral and slightly polar, with arginine, which is basic and polar, at codon 90 of the MBD4 protein (p.Trp90Arg). This variant is present in population databases (rs776222102, gnomAD 0.003%). This variant has not been reported in the literature in individuals affected with MBD4-related conditions. An algorithm developed to predict the effect of missense changes on protein structure and function (PolyPhen-2) suggests that this variant is likely to be disruptive. In summary, the available evidence is currently insufficient to determine the role of this variant in disease. Therefore, it has been classified as a Variant of Uncertain Significance.